The following is an entry in ClinVar:

NM_001754.5(RUNX1):c.*3277G>T

Gene: RUNX1 (RUNX family transcription factor 1; minus strand). Cytogenetic location: 21q22.12.
Variant type: single nucleotide variant.
Coding change: c.*3277G>T on transcript NM_001754.5 (MANE Select); 3277 bases downstream of the stop codon, G replaced by T.
Molecular consequence: 3 prime UTR variant.
Genome position (GRCh38, 1-based): chr21:34,788,858, C>A on the plus strand (G>T on the coding strand, the complement: RUNX1 is on the minus strand). VCF-style: chr21-34788858-C-A. GRCh37 (hg19) VCF-style: chr21-36161155-C-A.
Other names: c.*3277G>T (NM_001001890.3).
Identifiers: ClinVar variation 339812 (VCV000339812.6), dbSNP rs187846118, ClinGen allele CA10644615.

ClinVar aggregate classification (germline): Likely benign. Review status: reviewed by expert panel (3 of 4 stars). 2 submissions from 2 submitters: Likely benign (1). 1 of the submissions does not count toward it. Last evaluated 2023-11-13.

Conditions:
Hereditary thrombocytopenia and hematologic cancer predisposition syndrome. Identifiers: Orphanet 71290, MedGen CN281654, MONDO:0011071.
Hereditary thrombocytopenia and hematological cancer predisposition syndrome associated with RUNX1. Also called: PLATELET DISORDER, ASPIRIN-LIKE; RUNX1 Familial Platelet Disorder with Associated Myeloid Malignancies; Familial Platelet Disorder with Propensity to Acute Myelogenous Leukemia; Familial thrombocytopenia with propensity to acute myelogenous leukemia. Identifiers: Orphanet 71290, MedGen C1832388, MeSH C563324, MONDO:0100083, OMIM 601399.

Allele frequency attached by ClinVar (database versions not stated): 1000 Genomes Project 30x 0.00016; 1000 Genomes Project 0.00020; gnomAD 0.00003; TOPMed 0.00005.

Submissions (2):

ClinGen Myeloid Malignancy Variant Curation Expert Panel
Classification: Likely benign for Hereditary thrombocytopenia and hematologic cancer predisposition syndrome. Last evaluated: 2023-11-13. Review status: reviewed by expert panel. Criteria: ClinGen MyeloMalig ACMG Specifications v2. Collection method: curation. Allele origin: germline. Inheritance: Autosomal dominant inheritance.
Comment: NM_001754.5(RUNX1):c.*3277G>T is an intronic variant. This variant is completely absent from all population databases with at least 20x coverage for RUNX1 (PM2_supporting). REVEL score is not applicable and SPliceAI is <=0.20 (0.01) (BP4). Evolutionary conservation prediction algorithms predict the site as not being conserved (PhyloP score 0.68 < 2.0) (BP7). In summary, the clinical significance of this variant is Likely Benign. ACMG/AMP criteria applied, as specified by the Myeloid Malignancy Variant Curation Expert Panel for RUNX1: BP4, BP7, PM2_supporting

Illumina Laboratory Services, Illumina
Classification: Uncertain significance for Hereditary thrombocytopenia and hematological cancer predisposition syndrome associated with RUNX1. Last evaluated: 2018-01-13. Review status: criteria provided, single submitter. Criteria: ICSL Variant Classification Criteria 13 December 2019. Collection method: clinical testing. Allele origin: germline. Not counted in ClinVar's aggregate classification.